The following is an entry in ClinVar:

NM_001267550.2(TTN):c.106974C>A (p.Ser35658Arg)

Genes: TTN (titin; minus strand), TTN-AS1 (TTN antisense RNA 1; plus strand). Cytogenetic location: 2q31.2.
Variant type: single nucleotide variant.
Coding change: c.106974C>A on transcript NM_001267550.2 (MANE Select); coding-DNA position 106974, C replaced by A.
Protein change: p.Ser35658Arg; replaces serine 35658 with arginine.
Molecular consequence: missense variant.
Genome position (GRCh38, 1-based): chr2:178,528,777, G>T on the plus strand (C>A on the coding strand, the complement: TTN is on the minus strand). VCF-style: chr2-178528777-G-T. GRCh37 (hg19) VCF-style: chr2-179393504-G-T.
Other names: c.102051C>A, p.Ser34017Arg (NM_001256850.1); c.79779C>A, p.Ser26593Arg (NM_003319.4); c.99270C>A, p.Ser33090Arg (NM_133378.4); c.80154C>A, p.Ser26718Arg (NM_133432.3); c.80355C>A, p.Ser26785Arg (NM_133437.4); short protein forms S33090R, S26593R, S26785R, S34017R, S26718R, S35658R.
Identifiers: ClinVar variation 2937489 (VCV002937489.2), dbSNP rs761795663, ClinGen allele CA349402382.

ClinVar aggregate classification (germline): Uncertain significance (1 of 4 stars; one submission).

Conditions:
Dilated cardiomyopathy 1G (CMD1G). Identifiers: Orphanet 154, MedGen C1858763, MONDO:0011400, OMIM 604145.
Autosomal recessive limb-girdle muscular dystrophy type 2J (LGMDR10). Also called: Limb-girdle muscular dystrophy, type 2J; MUSCULAR DYSTROPHY, LIMB-GIRDLE, AUTOSOMAL RECESSIVE 10. Identifiers: Orphanet 140922, MedGen C1837342, MONDO:0012127, OMIM 608807.

Submission:

Labcorp Genetics (formerly Invitae), Labcorp
Classification: Uncertain significance for Dilated cardiomyopathy 1G; Autosomal recessive limb-girdle muscular dystrophy type 2J. Last evaluated: 2023-03-17. Review status: criteria provided, single submitter. Criteria: Invitae Variant Classification Sherloc (09022015). Collection method: clinical testing. Allele origin: germline.
Comment: This sequence change replaces serine, which is neutral and polar, with arginine, which is basic and polar, at codon 35658 of the TTN protein (p.Ser35658Arg). This variant is not present in population databases (gnomAD no frequency). This variant has not been reported in the literature in individuals affected with TTN-related conditions. Experimental studies and prediction algorithms are not available or were not evaluated, and the functional significance of this variant is currently unknown. In summary, the available evidence is currently insufficient to determine the role of this variant in disease. Therefore, it has been classified as a Variant of Uncertain Significance. This variant is located in the M band of TTN (PMID: 25589632). Variants in this region may be relevant for neuromuscular disorders, but have not been definitively shown to cause cardiomyopathy (PMID: 23975875).

Literature cited by the submitters: PubMed 25589632; PubMed 23975875.